The following is an entry in ClinVar:

NM_001330700.2(TOP2B):c.1629C>T (p.Tyr543=)

Gene: TOP2B (DNA topoisomerase II beta; minus strand). Cytogenetic location: 3p24.2.
Variant type: single nucleotide variant.
Coding change: c.1629C>T on transcript NM_001330700.2 (MANE Select); coding-DNA position 1629, C replaced by T.
Protein change: p.Tyr543=; no amino-acid change (tyrosine 543 retained).
Molecular consequence: synonymous variant.
Genome position (GRCh38, 1-based): chr3:25,630,089, G>A on the plus strand (C>T on the coding strand, the complement: TOP2B is on the minus strand). VCF-style: chr3-25630089-G-A. GRCh37 (hg19) VCF-style: chr3-25671580-G-A.
Other names: c.1614C>T, p.Tyr538= (NM_001068.3).
Identifiers: ClinVar variation 1550318 (VCV001550318.17), dbSNP rs367867747, ClinGen allele CA2288661.

ClinVar aggregate classification (germline): Benign/Likely benign. Review status: criteria provided, multiple submitters, no conflicts (2 of 4 stars). 4 submissions from 4 submitters: Benign (1); Likely benign (3). Last evaluated 2026-04-06.

Allele frequency attached by ClinVar (database versions not stated): gnomAD exomes 0.00022 and 0.00048; TOPMed 0.00023; gnomAD 0.00024 and 0.00027; ESP Exome Variant Server 0.00026; ExAC 0.00030.
gnomAD v4.1: 745 of 1,606,196 alleles (0.046%); highest among the groups gnomAD compares: Non-Finnish European, 0.056%; no homozygotes.

Submissions (4):

Women's Health and Genetics/Laboratory Corporation of America, LabCorp
Classification: Benign. Last evaluated: 2026-04-06. Review status: criteria provided, single submitter. Criteria: LabCorp Variant Classification Summary - May 2015. Collection method: clinical testing. Allele origin: germline.

Labcorp Genetics (formerly Invitae), Labcorp
Classification: Likely benign. Last evaluated: 2026-01-06. Review status: criteria provided, single submitter. Criteria: Invitae Variant Classification Sherloc (09022015). Collection method: clinical testing. Allele origin: germline.

CeGaT Center for Human Genetics Tuebingen
Classification: Likely benign. Last evaluated: 2025-04-01. Review status: criteria provided, single submitter. Criteria: CeGaT Center For Human Genetics Tuebingen Variant Classification Criteria Version 2. Collection method: clinical testing. Allele origin: germline. Affected: yes. Observed: 1 variant allele.
Comment: TOP2B: BP4, BP7

Blueprint Genetics
Classification: Likely benign. Last evaluated: 2024-10-30. Review status: criteria provided, single submitter. Criteria: ACMG Guidelines, 2015. Collection method: clinical testing. Allele origin: germline.